The following is an entry in ClinVar:

NM_001374736.1(DST):c.14542T>C (p.Leu4848=)

Gene: DST (dystonin; minus strand). Cytogenetic location: 6p12.1.
Variant type: single nucleotide variant.
Coding change: c.14542T>C on transcript NM_001374736.1 (MANE Select); coding-DNA position 14542, T replaced by C.
Protein change: p.Leu4848=; no amino-acid change (leucine 4848 retained).
Molecular consequence: synonymous variant.
Genome position (GRCh38, 1-based): chr6:56,557,417, A>G on the plus strand (T>C on the coding strand, the complement: DST is on the minus strand). VCF-style: chr6-56557417-A-G. GRCh37 (hg19) VCF-style: chr6-56422215-A-G.
Other names: c.7651T>C, p.Leu2551= (NM_183380.4, NM_001374730.1, NM_001386100.1); c.13909T>C, p.Leu4637= (NM_001374729.1); c.14569T>C, p.Leu4857= (NM_001374734.1); c.6673T>C, p.Leu2225= (NM_015548.5); c.8185T>C, p.Leu2729= (NM_001144769.5); c.7771T>C, p.Leu2591= (NM_001144770.2); c.14542T>C, p.Leu4848= (NM_001374722.1); c.8185T>C (NM_001144769.2).
Identifiers: ClinVar variation 1129523 (VCV001129523.10), dbSNP rs754131087, ClinGen allele CA3867991.

ClinVar aggregate classification (germline): Likely benign. Review status: criteria provided, multiple submitters, no conflicts (2 of 4 stars). 2 submissions from 2 submitters: Likely benign (2). Last evaluated 2026-01-27.

Conditions:
Epidermolysis bullosa simplex 3, localized or generalized intermediate, with BP230 deficiency (EBS3). Also called: Epidermolysis bullosa simplex, autosomal recessive 2; Epidermolysis bullosa simplex due to BP230 deficiency. Identifiers: Orphanet 412181, MedGen C3809470, MONDO:0014180, OMIM 615425.
Hereditary sensory and autonomic neuropathy type 6. Also called: Neuropathy, hereditary sensory and autonomic, type VI; HSAN VI. Identifiers: Orphanet 314381, MedGen C3539003, MONDO:0013839, OMIM 614653.
DST-related disorder. Also called: DST-related condition; DST-related disorders.

Allele frequency attached by ClinVar (database versions not stated): ExAC 0.00001; gnomAD 0.00002 and 0.00003; gnomAD exomes 0.00002; TOPMed 0.00003.
gnomAD v4.1: 36 of 1,613,626 alleles (0.0022%); highest among the groups gnomAD compares: Middle Eastern, 0.066%; no homozygotes.

Submissions (2):

PreventionGenetics, part of Exact Sciences
Classification: Likely benign for DST-related condition. Last evaluated: 2026-01-27. Review status: criteria provided, single submitter. Criteria: ACMG Guidelines, 2015. Collection method: clinical testing. Allele origin: germline.
Comment: This variant is classified as likely benign based on ACMG/AMP sequence variant interpretation guidelines (Richards et al. 2015 PMID: 25741868, with internal and published modifications).

Labcorp Genetics (formerly Invitae), Labcorp
Classification: Likely benign for Epidermolysis bullosa simplex 3, localized or generalized intermediate, with BP230 deficiency; Hereditary sensory and autonomic neuropathy type 6. Last evaluated: 2023-02-23. Review status: criteria provided, single submitter. Criteria: Invitae Variant Classification Sherloc (09022015). Collection method: clinical testing. Allele origin: germline.